The following is an entry in ClinVar:

ClinVar aggregate classification (germline): Uncertain significance (1 of 4 stars; one submission).

Conditions:
Deficiency of butyryl-CoA dehydrogenase (ACADSD). Also called: SCAD DEFICIENCY, MILD; ACYL-CoA DEHYDROGENASE, SHORT-CHAIN, DEFICIENCY OF; ACADS DEFICIENCY; Short-Chain Acyl-CoA Dehydrogenase Deficiency; SCADH DEFICIENCY; SCAD Deficiency. Identifiers: Orphanet 26792, MedGen C0342783, MONDO:0008722, OMIM 201470. Disease mechanism: May be benign.

Submission:

Labcorp Genetics (formerly Invitae), Labcorp
Classification: Uncertain significance for Deficiency of butyryl-CoA dehydrogenase. Last evaluated: 2025-12-09. Review status: criteria provided, single submitter. Criteria: Invitae Variant Classification Sherloc (09022015). Collection method: clinical testing. Allele origin: germline.
Comment: This sequence change replaces methionine, which is neutral and non-polar, with leucine, which is neutral and non-polar, at codon 40 of the ACADS protein (p.Met40Leu). This variant is present in population databases (no rsID available, gnomAD 0.008%). This variant has not been reported in the literature in individuals affected with ACADS-related conditions. Invitae Evidence Modeling of protein sequence and biophysical properties (such as structural, functional, and spatial information, amino acid conservation, physicochemical variation, residue mobility, and thermodynamic stability) has been performed for this missense variant. However, the output from this modeling did not meet the statistical confidence thresholds required to predict the impact of this variant on ACADS protein function. In summary, the available evidence is currently insufficient to determine the role of this variant in disease. Therefore, it has been classified as a Variant of Uncertain Significance.

NM_000017.4(ACADS):c.118A>T (p.Met40Leu)

Gene: ACADS (acyl-CoA dehydrogenase short chain; plus strand). Cytogenetic location: 12q24.31.
Variant type: single nucleotide variant.
Coding change: c.118A>T on transcript NM_000017.4 (MANE Select); coding-DNA position 118, A replaced by T.
Protein change: p.Met40Leu; replaces methionine 40 with leucine.
Molecular consequence: missense variant.
Genome position (GRCh38, 1-based): chr12:120,727,097, A>T. VCF-style: chr12-120727097-A-T. GRCh37 (hg19) VCF-style: chr12-121164900-A-T.
Other names: c.118A>T, p.Met40Leu (NM_001302554.2); short protein forms M40L.
Identifiers: ClinVar variation 4773005 (VCV004773005.1).
Genomic context (GRCh38, chr12:120,727,097, plus strand): 5'-AGGGCCTGGCGGCAGTTACACACCATCTACCAGTCTGTGGAACTGCCCGAGACACACCAG[A>T]TGTTGCTCCAGACATGCCGGGACTTTGCCGAGAAGGAGTTGTTTCCCATTGCAGCCCAGG-3'
Protein context (NP_000008.1, residues 30-50): QSVELPETHQ[Met40Leu]LLQTCRDFAE